The following is an entry in ClinVar:

ClinVar aggregate classification (germline): Uncertain significance (1 of 4 stars; one submission).

Conditions:
Hereditary cancer-predisposing syndrome. Also called: Neoplastic Syndromes, Hereditary; Tumor predisposition; Hereditary neoplastic syndrome; Hereditary Cancer Syndrome. Identifiers: Orphanet 140162, MedGen C0027672, MeSH D009386, MONDO:0015356.

Submission:

Ambry Genetics
Classification: Uncertain significance for Hereditary cancer-predisposing syndrome. Last evaluated: 2024-03-06. Review status: criteria provided, single submitter. Criteria: Ambry Variant Classification Scheme 2023. Collection method: clinical testing. Allele origin: germline.
Comment: The c.268-7_268-2delATTTTA intronic variant, located in intron 2 of the FH gene, results from a deletion of 6 nucleotides within intron 2 of the FH gene. This nucleotide region is well conserved in available vertebrate species. In silico splice site analysis predicts that this alteration will not have any significant effect on splicing. Based on the available evidence, the clinical significance of this alteration remains unclear.

NM_000143.4(FH):c.268-7_268-2del

Gene: FH (fumarate hydratase; minus strand). Cytogenetic location: 1q43.
Variant type: Deletion.
Coding change: c.268-7_268-2del on transcript NM_000143.4 (MANE Select); 7 bases into the intron before coding-DNA position 268 through the canonical splice acceptor site of the intron before coding-DNA position 268, 6 bases deleted (ATTTTA; older notation c.268-7_268-2delATTTTA).
Molecular consequence: splice acceptor variant.
Genome position (GRCh38, 1-based): chr1:241,513,715-241,513,720, TAAAAT deleted on the plus strand (ATTTTA on the coding strand, the reverse complement: FH is on the minus strand); deleting any 6 consecutive bases within chr1:241,513,715-241,513,723 gives the same sequence; the c. name uses the placement nearest the transcript's 3' end. VCF-style (leftmost placement, unchanged base first): chr1-241513714-CTAAAAT-C. GRCh37 (hg19) VCF-style: chr1-241677014-CTAAAAT-C.
Identifiers: ClinVar variation 3230445 (VCV003230445.1), dbSNP rs2527335363, ClinGen allele CA2825000940.
Genomic context (GRCh38, chr1:241,513,714, plus strand): 5'-ATCCTGGTTTACTTCAGCGGCCGCTCGCTTCAAGATGCCAAAAGCTTTAATAACTGGGGT[CTAAAAT>C]TAATCAGAAAAATATTTCAAATTTACAATTTTACTTAAGCATGGAAGTTTATTATTTTGG-3'